The following is an entry in ClinVar:

ClinVar aggregate classification (germline): Uncertain significance (1 of 4 stars; one submission).

Submission:

GeneDx
Classification: Uncertain significance. Last evaluated: 2025-05-22. Review status: criteria provided, single submitter. Criteria: GeneDx Variant Classification Process June 2021. Collection method: clinical testing. Allele origin: germline. Affected: yes.
Comment: Not observed at significant frequency in large population cohorts (gnomAD); In silico analysis supports that this missense variant has a deleterious effect on protein structure/function; Has not been previously published as pathogenic or benign to our knowledge

NM_003718.5(CDK13):c.2327A>G (p.Asp776Gly)

Gene: CDK13 (cyclin dependent kinase 13; plus strand). Cytogenetic location: 7p14.1.
Variant type: single nucleotide variant.
Coding change: c.2327A>G on transcript NM_003718.5 (MANE Select); coding-DNA position 2327, A replaced by G.
Protein change: p.Asp776Gly; replaces aspartic acid 776 with glycine.
Molecular consequence: missense variant.
Genome position (GRCh38, 1-based): chr7:40,002,005, A>G. VCF-style: chr7-40002005-A-G. GRCh37 (hg19) VCF-style: chr7-40041604-A-G.
Other names: c.2327A>G, p.Asp776Gly (NM_031267.4); short protein forms D776G.
Identifiers: ClinVar variation 4530745 (VCV004530745.1).